The following is an entry in ClinVar:

NM_020928.2(ZSWIM6):c.460G>A (p.Gly154Ser)

Gene: ZSWIM6 (zinc finger SWIM-type containing 6; plus strand). Cytogenetic location: 5q12.1.
Variant type: single nucleotide variant.
Coding change: c.460G>A on transcript NM_020928.2 (MANE Select); coding-DNA position 460, G replaced by A.
Protein change: p.Gly154Ser; replaces glycine 154 with serine.
Molecular consequence: missense variant.
Genome position (GRCh38, 1-based): chr5:61,332,732, G>A. VCF-style: chr5-61332732-G-A. GRCh37 (hg19) VCF-style: chr5-60628559-G-A.
Other names: short protein forms G154S.
Identifiers: ClinVar variation 1356535 (VCV001356535.8), dbSNP rs1430663925, ClinGen allele CA359940758.

ClinVar aggregate classification (germline): Uncertain significance (1 of 4 stars; one submission).

Allele frequency attached by ClinVar (database versions not stated): gnomAD 0.00006; gnomAD exomes 0.00010.
gnomAD v4.1: 87 of 965,084 alleles (0.009%); highest among the groups gnomAD compares: Non-Finnish European, 0.01%; no homozygotes.

Submission:

Labcorp Genetics (formerly Invitae), Labcorp
Classification: Uncertain significance. Last evaluated: 2021-08-15. Review status: criteria provided, single submitter. Criteria: Invitae Variant Classification Sherloc (09022015). Collection method: clinical testing. Allele origin: germline.
Comment: Algorithms developed to predict the effect of missense changes on protein structure and function are either unavailable or do not agree on the potential impact of this missense change (SIFT: "Deleterious"; PolyPhen-2: "Not Available"; Align-GVGD: "Class C0"). In summary, the available evidence is currently insufficient to determine the role of this variant in disease. Therefore, it has been classified as a Variant of Uncertain Significance. This variant has not been reported in the literature in individuals affected with ZSWIM6-related conditions. The frequency data for this variant in the population databases is considered unreliable, as metrics indicate insufficient coverage at this position in the ExAC database. This sequence change replaces glycine with serine at codon 154 of the ZSWIM6 protein (p.Gly154Ser). The glycine residue is weakly conserved and there is a small physicochemical difference between glycine and serine.